The following is an entry in ClinVar:

ClinVar aggregate classification (germline): Uncertain significance. Review status: criteria provided, multiple submitters, no conflicts (2 of 4 stars). 2 submissions from 2 submitters: Uncertain significance (2). Last evaluated 2025-10-28.

Conditions:
Retinitis pigmentosa 92. Identifiers: MedGen C5562022, MONDO:0030619, OMIM 619614.

Submissions (2):

3billion
Classification: Uncertain significance for Retinitis pigmentosa 92. Last evaluated: 2025-10-28. Review status: criteria provided, single submitter. Criteria: ACMG Guidelines, 2015. Collection method: clinical testing. Allele origin: germline. Affected: yes.
Comment: The variant is observed at an extremely low frequency in the gnomAD v4.1.0 dataset (total allele frequency: <0.001%). Predicted Consequence/Location: Frameshift: predicted to result in a loss or disruption of normal protein function through nonsense-mediated decay (NMD) or protein truncation. Loss-of-function is not well-established disease mechanism in this gene. The variant has been reported to be associated with HKDC1-related disorder (3billion dataset). However, the evidence of pathogenicity is insufficient at this time. Therefore, this variant is classified as VUS according to the recommendation of ACMG/AMP guideline.

Department of Pathology and Laboratory Medicine, Sinai Health System
Classification: Uncertain significance for Retinitis pigmentosa 92. Last evaluated: 2023-01-24. Review status: criteria provided, single submitter. Criteria: ACMG Guidelines, 2015. Collection method: research. Allele origin: germline.

NM_025130.4(HKDC1):c.432_438del (p.His145fs)

Genes: HKDC1 (hexokinase domain containing 1; plus strand), LOC126860950 (MED14-independent group 3 enhancer GRCh37_chr10:70991590-70992789; plus strand). Cytogenetic location: 10q22.1.
Variant type: Deletion.
Coding change: c.432_438del on transcript NM_025130.4 (MANE Select); coding-DNA positions 432 to 438, 7 bases deleted (GCATAAG; older notation c.432_438delGCATAAG).
Protein change: p.His145fs; shifts the reading frame from histidine 145.
Molecular consequence: frameshift variant.
Genome position (GRCh38, 1-based): chr10:69,233,070-69,233,076, GCATAAG deleted. VCF-style (leftmost placement, unchanged base first): chr10-69233069-AGCATAAG-A. GRCh37 (hg19) VCF-style: chr10-70992825-AGCATAAG-A.
Other names: short protein forms H145fs.
Identifiers: ClinVar variation 3891328 (VCV003891328.2).